The following is an entry in ClinVar:

NM_016042.4(EXOSC3):c.*64C>T

Gene: EXOSC3 (exosome component 3; minus strand). Cytogenetic location: 9p13.2.
Variant type: single nucleotide variant.
Coding change: c.*64C>T on transcript NM_016042.4 (MANE Select); 64 bases downstream of the stop codon, C replaced by T.
Molecular consequence: 3 prime UTR variant.
Genome position (GRCh38, 1-based): chr9:37,780,615, G>A on the plus strand (C>T on the coding strand, the complement: EXOSC3 is on the minus strand). VCF-style: chr9-37780615-G-A. GRCh37 (hg19) VCF-style: chr9-37780612-G-A.
Other names: c.*245C>T (NM_001002269.2).
Identifiers: ClinVar variation 913709 (VCV000913709.5), dbSNP rs142727320, ClinGen allele CA192952148.

ClinVar aggregate classification (germline): Likely benign. Review status: criteria provided, multiple submitters, no conflicts (2 of 4 stars). 2 submissions from 2 submitters: Likely benign (2). Last evaluated 2018-01-12.

Conditions:
Pontocerebellar hypoplasia type 1B. Also called: EXOSC3 Pontocerebellar Hypoplasia. Identifiers: Orphanet 2254, MedGen C3553449, MONDO:0013853, OMIM 614678.

Allele frequency attached by ClinVar (database versions not stated): gnomAD exomes 0.00022; gnomAD 0.00203 and 0.00209; TOPMed 0.00217; 1000 Genomes Project 30x 0.00328; 1000 Genomes Project 0.00339.
gnomAD v4.1: 543 of 1,239,014 alleles (0.044%); highest among the groups gnomAD compares: African/African-American, 0.75%; 4 homozygotes.

Submissions (2):

Illumina Laboratory Services, Illumina
Classification: Likely benign for Pontocerebellar hypoplasia type 1B. Last evaluated: 2018-01-12. Review status: criteria provided, single submitter. Criteria: ICSL Variant Classification Criteria 13 December 2019. Collection method: clinical testing. Allele origin: germline.
Comment: This variant was observed in the ICSL laboratory as part of a predisposition screen in an ostensibly healthy population. It had not been previously curated by ICSL or reported in the Human Gene Mutation Database (HGMD: prior to June 1st, 2018), and was therefore a candidate for classification through an automated scoring system. Utilizing variant allele frequency, disease prevalence and penetrance estimates, and inheritance mode, an automated score was calculated to assess if this variant is too frequent to cause the disease. Based on the score and internal cut-off values, a variant classified as likely benign is not then subjected to further curation. The score for this variant resulted in a classification of likely benign for this disease.

Breakthrough Genomics
Classification: Likely benign. Review status: criteria provided, single submitter. Criteria: ACMG Guidelines, 2015. Collection method: not provided. Allele origin: germline. Inheritance: Autosomal recessive inheritance. Affected: yes.